The following is an entry in ClinVar:

NM_152703.5(SAMD9L):c.3233T>G (p.Phe1078Cys)

Gene: SAMD9L (sterile alpha motif domain containing 9 like; minus strand). Cytogenetic location: 7q21.2.
Variant type: single nucleotide variant.
Coding change: c.3233T>G on transcript NM_152703.5 (MANE Select); coding-DNA position 3233, T replaced by G.
Protein change: p.Phe1078Cys; replaces phenylalanine 1078 with cysteine.
Molecular consequence: missense variant.
Genome position (GRCh38, 1-based): chr7:93,132,739, A>C on the plus strand (T>G on the coding strand, the complement: SAMD9L is on the minus strand). VCF-style: chr7-93132739-A-C. GRCh37 (hg19) VCF-style: chr7-92762052-A-C.
Other names: c.3233T>G, p.Phe1078Cys (NM_001303496.3, NM_001303497.3, NM_001303498.3 and 5 more transcripts); short protein forms F1078C.
Identifiers: ClinVar variation 4159242 (VCV004159242.1).

ClinVar aggregate classification (germline): Uncertain significance (1 of 4 stars; one submission).

Conditions:
Inborn genetic diseases. Identifiers: MedGen C0950123, MeSH D030342.

Submission:

Ambry Genetics
Classification: Uncertain significance for Inborn genetic diseases. Last evaluated: 2025-06-19. Review status: criteria provided, single submitter. Criteria: Ambry Variant Classification Scheme 2023. Collection method: clinical testing. Allele origin: germline.
Comment: The p.F1078C variant (also known as c.3233T>G), located in coding exon 1 of the SAMD9L gene, results from a T to G substitution at nucleotide position 3233. The phenylalanine at codon 1078 is replaced by cysteine, an amino acid with highly dissimilar properties. This amino acid position is conserved. In addition, this alteration is predicted to be deleterious by in silico analysis. Based on the available evidence, the clinical significance of this variant remains unclear.